The following is an entry in ClinVar:

NM_024312.5(GNPTAB):c.3145_3146insC (p.Gly1049fs)

Gene: GNPTAB (N-acetylglucosamine-1-phosphate transferase subunits alpha and beta; minus strand). Cytogenetic location: 12q23.2.
Variant type: Insertion.
Coding change: c.3145_3146insC on transcript NM_024312.5 (MANE Select); coding-DNA positions 3145 to 3146, C inserted.
Protein change: p.Gly1049fs; shifts the reading frame from glycine 1049.
Molecular consequence: frameshift variant.
Genome position: GRCh38 VCF-style: chr12-101760133-C-CG. GRCh37 (hg19) VCF-style: chr12-102153911-C-CG.
Other names: AY687932:c.3145_3146insC; short protein forms G1049fs.
Identifiers: ClinVar variation 38422 (VCV000038422.3), dbSNP rs281865033, ClinGen allele CA343074.

ClinVar aggregate classification (germline): Pathogenic (0 of 4 stars; one submission).

Conditions:
Mucolipidosis type II. Also called: Mucolipidosis 2; ML 2; Inclusion cell disease; Leroy Disease; N-acetylglucosamine 1phosphotransferase deficiency; ML disorder type 2. Identifiers: Orphanet 576, MedGen C2673377, MONDO:0009650, OMIM 252500.

Submission:

GeneReviews
Classification: Pathogenic for Mucolipidosis III Alpha/Beta. Last evaluated: 2012-05-10. Review status: no assertion criteria provided. Collection method: curation. Allele origin: unknown.
ClinVar note: Converted during submission from pathologic to Pathogenic.